The following is an entry in ClinVar:

ClinVar aggregate classification (germline): Uncertain significance (1 of 4 stars; one submission).

Conditions:
Hereditary cancer-predisposing syndrome. Also called: Tumor predisposition; Hereditary Cancer Syndrome; Hereditary neoplastic syndrome; Neoplastic Syndromes, Hereditary. Identifiers: Orphanet 140162, MedGen C0027672, MeSH D009386, MONDO:0015356.

Submission:

Labcorp Genetics (formerly Invitae), Labcorp
Classification: Uncertain significance for Hereditary cancer-predisposing syndrome. Last evaluated: 2022-10-28. Review status: criteria provided, single submitter. Criteria: Invitae Variant Classification Sherloc (09022015). Collection method: clinical testing. Allele origin: germline.
Comment: This sequence change replaces threonine, which is neutral and polar, with serine, which is neutral and polar, at codon 1154 of the RAD50 protein (p.Thr1154Ser). In summary, the available evidence is currently insufficient to determine the role of this variant in disease. Therefore, it has been classified as a Variant of Uncertain Significance. Advanced modeling of protein sequence and biophysical properties (such as structural, functional, and spatial information, amino acid conservation, physicochemical variation, residue mobility, and thermodynamic stability) performed at Invitae indicates that this missense variant is expected to disrupt RAD50 protein function. This variant has not been reported in the literature in individuals affected with RAD50-related conditions. This variant is not present in population databases (gnomAD no frequency).

NM_005732.4(RAD50):c.3461C>G (p.Thr1154Ser)

Genes: RAD50 (RAD50 double strand break repair protein; plus strand), TH2-LCR (Th2 cytokine locus control region; plus strand), TH2LCRR (T helper type 2 locus control region associated RNA; minus strand). Cytogenetic location: 5q31.1.
Variant type: single nucleotide variant.
Coding change: c.3461C>G on transcript NM_005732.4 (MANE Select); coding-DNA position 3461, C replaced by G.
Protein change: p.Thr1154Ser; replaces threonine 1154 with serine.
Molecular consequence: missense variant.
Genome position (GRCh38, 1-based): chr5:132,637,186, C>G. VCF-style: chr5-132637186-C-G. GRCh37 (hg19) VCF-style: chr5-131972878-C-G.
Other names: short protein forms T1154S.
Identifiers: ClinVar variation 2810424 (VCV002810424.3), dbSNP rs1581020275, ClinGen allele CA360930453.
Genomic context (GRCh38, chr5:132,637,186, plus strand): 5'-AATTTCACAGTATGAAAATGGAAGAAATCAATAAAATTATACGTGACCTGTGGCGAAGTA[C>G]CTATCGTGGACAAGGTGAGTACCATGGTGTATCACAAATGCTCTTTCCAAAGCCCTCTCC-3'
Protein context (NP_005723.2, residues 1144-1164): NKIIRDLWRS[Thr1154Ser]YRGQDIEYIE